The following is an entry in ClinVar:

NM_005055.5(RAPSN):c.358C>T (p.Gln120Ter)

Gene: RAPSN (receptor associated protein of the synapse; minus strand). Cytogenetic location: 11p11.2.
Variant type: single nucleotide variant.
Coding change: c.358C>T on transcript NM_005055.5 (MANE Select); coding-DNA position 358, C replaced by T.
Protein change: p.Gln120Ter; replaces glutamine 120 with a stop codon.
Molecular consequence: nonsense.
Genome position (GRCh38, 1-based): chr11:47,447,985, G>A on the plus strand (C>T on the coding strand, the complement: RAPSN is on the minus strand). VCF-style: chr11-47447985-G-A. GRCh37 (hg19) VCF-style: chr11-47469537-G-A.
Other names: c.358C>T, p.Gln120Ter (NM_032645.5); short protein forms Q120*.
Identifiers: ClinVar variation 939708 (VCV000939708.9), dbSNP rs2076422949, ClinGen allele CA380334282.

ClinVar aggregate classification (germline): Pathogenic. Review status: criteria provided, multiple submitters, no conflicts (2 of 4 stars). 2 submissions from 2 submitters: Pathogenic (2). Last evaluated 2026-02-23.

Conditions:
RAPSN-related disorder. Also called: RAPSN-related disorders; RAPSN-related condition. Identifiers: MedGen CN239397.
Congenital myasthenic syndrome 11. Also called: Myasthenic syndrome, congenital, 11, associated with acetylcholine receptor deficiency; MYASTHENIC SYNDROME, CONGENITAL, Ie. Identifiers: Orphanet 590, MedGen C4225367, MONDO:0014588, OMIM 616326.
Fetal akinesia deformation sequence 1 (FADS1). Also called: Fetal akinesia sequence; Pena-Shokeir syndrome type I. Identifiers: Orphanet 994, MedGen C1276035, MONDO:0100101, OMIM 208150, HP:0001989.

Submissions (2):

Myriad Genetics, Inc.
Classification: Pathogenic for RAPSN-related disorder. Last evaluated: 2026-02-23. Review status: criteria provided, single submitter. Criteria: Myriad Autosomal Dominant, Autosomal Recessive and X-Linked Classification Criteria (2023). Collection method: clinical testing. Allele origin: unknown.
Comment: NM_005055.4(RAPSN):c.358C>T(Q120*) is expected to be pathogenic in the context of RAPSN-related disorders. This variant is predicted to lead to an abnormal or absent protein product due to the creation of a premature termination codon in RAPSN, a gene where loss-of-function variants are known to be pathogenic. Please note: this variant was assessed in the context of healthy population screening.

Labcorp Genetics (formerly Invitae), Labcorp
Classification: Pathogenic for Congenital myasthenic syndrome 11; Fetal akinesia deformation sequence 1. Last evaluated: 2025-11-03. Review status: criteria provided, single submitter. Criteria: Invitae Variant Classification Sherloc (09022015). Collection method: clinical testing. Allele origin: germline.
Comment: This sequence change creates a premature translational stop signal (p.Gln120*) in the RAPSN gene. It is expected to result in an absent or disrupted protein product. Loss-of-function variants in RAPSN are known to be pathogenic (PMID: 17686188). This variant is not present in population databases (gnomAD no frequency). This premature translational stop signal has been observed in individual(s) with RAPSN-related conditions (internal data). ClinVar contains an entry for this variant (Variation ID: 939708). For these reasons, this variant has been classified as Pathogenic.

Literature cited by the submitters: PubMed 17686188 (cited by Labcorp Genetics (formerly Invitae), Labcorp).